The following is an entry in ClinVar:

NM_005881.4(BCKDK):c.10G>C (p.Ala4Pro)

Gene: BCKDK (branched chain keto acid dehydrogenase kinase; plus strand). Cytogenetic location: 16p11.2.
Variant type: single nucleotide variant.
Coding change: c.10G>C on transcript NM_005881.4 (MANE Select); coding-DNA position 10, G replaced by C.
Protein change: p.Ala4Pro; replaces alanine 4 with proline.
Molecular consequence: missense variant.
Genome position (GRCh38, 1-based): chr16:31,109,233, G>C. VCF-style: chr16-31109233-G-C. GRCh37 (hg19) VCF-style: chr16-31120554-G-C.
Other names: c.10G>C, p.Ala4Pro (NM_001122957.4, NM_001271926.3); short protein forms A4P.
Identifiers: ClinVar variation 1051988 (VCV001051988.9), dbSNP rs775430762, ClinGen allele CA8021421.
Genomic context (GRCh38, chr16:31,109,233, plus strand): 5'-CCTAGCGGATCCTCAGTCCTAGCGGCCACCGGGTCTGAAAGGAGCAAGACGATGATCCTG[G>C]CGTCGGTGCTGAGGAGCGGTCCCGGGGGCGGGCTTCCGCTCCGGCCCCTCCTGGGACCCG-3'
Protein context (NP_005872.2, residues 1-14): MIL[Ala4Pro]SVLRSGPGGG

ClinVar aggregate classification (germline): Uncertain significance (1 of 4 stars; one submission).

Conditions:
Branched-chain keto acid dehydrogenase kinase deficiency (BCKDKD). Also called: BCKDK DEFICIENCY. Identifiers: Orphanet 308410, MedGen C3554078, MONDO:0013970, OMIM 614923.

Allele frequency attached by ClinVar (database versions not stated): gnomAD exomes 0.00001; ExAC 0.00002.
gnomAD v4.1: 12 of 1,516,844 alleles (0.00079%); highest among the groups gnomAD compares: Non-Finnish European, 0.0011%; no homozygotes.

Submission:

Labcorp Genetics (formerly Invitae), Labcorp
Classification: Uncertain significance for Branched-chain keto acid dehydrogenase kinase deficiency. Last evaluated: 2020-01-15. Review status: criteria provided, single submitter. Criteria: Invitae Variant Classification Sherloc (09022015). Collection method: clinical testing. Allele origin: germline.
Comment: In summary, the available evidence is currently insufficient to determine the role of this variant in disease. Therefore, it has been classified as a Variant of Uncertain Significance. Algorithms developed to predict the effect of missense changes on protein structure and function are either unavailable or do not agree on the potential impact of this missense change (SIFT: "Tolerated"; PolyPhen-2: "Not Available"; Align-GVGD: "Class C0"). This variant has not been reported in the literature in individuals with BCKDK-related conditions. This variant is present in population databases (rs775430762, ExAC 0.003%). This sequence change replaces alanine with proline at codon 4 of the BCKDK protein (p.Ala4Pro). The alanine residue is moderately conserved and there is a small physicochemical difference between alanine and proline.